The following is an entry in ClinVar:

NM_000478.6(ALPL):c.1072G>A (p.Ala358Thr)

Gene: ALPL (alkaline phosphatase, biomineralization associated; plus strand). Cytogenetic location: 1p36.12.
Variant type: single nucleotide variant.
Coding change: c.1072G>A on transcript NM_000478.6 (MANE Select); coding-DNA position 1072, G replaced by A.
Protein change: p.Ala358Thr; replaces alanine 358 with threonine.
Molecular consequence: missense variant.
Genome position (GRCh38, 1-based): chr1:21,575,807, G>A. VCF-style: chr1-21575807-G-A. GRCh37 (hg19) VCF-style: chr1-21902300-G-A.
Other names: c.907G>A, p.Ala303Thr (NM_001127501.4); c.841G>A, p.Ala281Thr (NM_001177520.3); c.1072G>A, p.Ala358Thr (NM_001369803.2, NM_001369804.2, NM_001369805.2); short protein forms A281T, A303T, A358T.
Identifiers: ClinVar variation 1679928 (VCV001679928.3), dbSNP rs2148189769, ClinGen allele CA338881171.
Genomic context (GRCh38, chr1:21,575,807, plus strand): 5'-CACGGGCACCATGAAGGAAAAGCCAAGCAGGCCCTGCATGAGGCGGTGGAGATGGACCGG[G>A]CCATCGGGCAGGCAGGCAGCTTGACCTCCTCGGAAGACACTCTGACCGTGGTCACTGCGG-3'
Protein context (NP_000469.3, residues 348-368): ALHEAVEMDR[Ala358Thr]IGQAGSLTSS

ClinVar aggregate classification (germline): Uncertain significance. Review status: criteria provided, single submitter (1 of 4 stars). 2 submissions from 2 submitters: Uncertain significance (1). 1 of the submissions does not count toward it. Last evaluated 2025-08-29.

Conditions:
Hypophosphatasia. Also called: Phosphoethanol-aminuria. Identifiers: Orphanet 436, MedGen C0020630, MeSH D007014, MONDO:0018570.

Submissions (2):

Genomenon, Inc
Classification: Uncertain significance for Hypophosphatasia. Last evaluated: 2025-08-29. Review status: criteria provided, single submitter. Criteria: Genomenon Sequence Variant Interpretation Standards. Collection method: curation. Allele origin: germline. Affected: yes.
Comment: ALPL c.1072G>A is a missense variant that changes the amino acid at residue 358 from Alanine to Threonine. This variant has been observed in a proband affected with hypophosphatasia (PMID:36361766). It is absent or not present at a significant frequency in gnomAD. In silico models agree that this variant is possibly or probably damaging. In conclusion, we classify ALPL p.Ala358Thr (c.1072G>A) as a variant of unknown significance.

JKU Lab, Dept of Paediatrics, Johannes Kepler University
Classification: Uncertain significance for Hypophosphatasia. Last evaluated: 2021-12-25. Review status: no assertion criteria provided. Collection method: clinical testing. Allele origin: germline. Affected: yes. Not counted in ClinVar's aggregate classification.

Literature cited by the submitters: PubMed 36361766 (cited by Genomenon, Inc).